The following is an entry in ClinVar:

ClinVar aggregate classification (germline): Likely benign (1 of 4 stars; one submission).

Conditions:
ECEL1-related disorder. Also called: ECEL1-related condition.

gnomAD v4.1: 1 of 1,344,800 alleles (0.000074%); no homozygotes.

Submission:

PreventionGenetics, part of Exact Sciences
Classification: Likely benign for ECEL1-related condition. Last evaluated: 2025-02-10. Review status: criteria provided, single submitter. Criteria: ACMG Guidelines, 2015. Collection method: clinical testing. Allele origin: germline.
Comment: This variant is classified as likely benign based on ACMG/AMP sequence variant interpretation guidelines (Richards et al. 2015 PMID: 25741868, with internal and published modifications).

NM_004826.4(ECEL1):c.126G>C (p.Ala42=)

Gene: ECEL1 (endothelin converting enzyme like 1; minus strand). Cytogenetic location: 2q37.1.
Variant type: single nucleotide variant.
Coding change: c.126G>C on transcript NM_004826.4 (MANE Select); coding-DNA position 126, G replaced by C.
Protein change: p.Ala42=; no amino-acid change (alanine 42 retained).
Molecular consequence: synonymous variant.
Genome position (GRCh38, 1-based): chr2:232,486,528, C>G on the plus strand (G>C on the coding strand, the complement: ECEL1 is on the minus strand). VCF-style: chr2-232486528-C-G. GRCh37 (hg19) VCF-style: chr2-233351238-C-G.
Other names: c.126G>C, p.Ala42= (NM_001290787.2).
Identifiers: ClinVar variation 4982133 (VCV004982133.1).